The following is an entry in ClinVar:

NM_021096.4(CACNA1I):c.3874C>G (p.Leu1292Val)

Gene: CACNA1I (calcium voltage-gated channel subunit alpha1 I; plus strand). Cytogenetic location: 22q13.1.
Variant type: single nucleotide variant.
Coding change: c.3874C>G on transcript NM_021096.4 (MANE Select); coding-DNA position 3874, C replaced by G.
Protein change: p.Leu1292Val; replaces leucine 1292 with valine.
Molecular consequence: missense variant.
Genome position (GRCh38, 1-based): chr22:39,665,520, C>G. VCF-style: chr22-39665520-C-G. GRCh37 (hg19) VCF-style: chr22-40061525-C-G.
Other names: c.3769C>G, p.Leu1257Val (NM_001003406.2); short protein forms L1257V, L1292V.
Identifiers: ClinVar variation 4879263 (VCV004879263.1).

ClinVar aggregate classification (germline): Uncertain significance (1 of 4 stars; one submission).

Conditions:
Neurodevelopmental disorder with speech impairment and with or without seizures. Also called: Neurodevelopmental disorder with variable intellectual disability and speech impairment, with or without seizures. Identifiers: MedGen C5774252, MONDO:0859313, OMIM 620114.

Submission:

Clinical Genomics Laboratory, Washington University in St. Louis
Classification: Uncertain significance for Neurodevelopmental disorder with speech impairment and with or without seizures. Last evaluated: 2026-03-27. Review status: criteria provided, single submitter. Criteria: ACMG Guidelines, 2015. Collection method: clinical testing. Allele origin: germline.
Comment: The CACNA1I c.3874C>G (p.Leu1292Val) variant, to our knowledge, has not been reported in the medical literature and is absent from the general population (gnomAD v2.1.1), indicating it is not a common variant. This variant occurs at the end of an alpha helix in the transmembrane domain, and computational predictors indicate that the variant is damaging, evidence that correlates with impact on CACNA1I function. Due to limited information, the clinical significance of this variant is uncertain.